The following is an entry in ClinVar:

NM_031229.4(RBCK1):c.1029+39C>G

Gene: RBCK1 (RANBP2-type and C3HC4-type zinc finger containing 1; plus strand). Cytogenetic location: 20p13.
Variant type: single nucleotide variant.
Coding change: c.1029+39C>G on transcript NM_031229.4 (MANE Select); 39 bases into the intron after coding-DNA position 1029, C replaced by G.
Molecular consequence: intron variant.
Genome position (GRCh38, 1-based): chr20:422,277, C>G. VCF-style: chr20-422277-C-G. GRCh37 (hg19) VCF-style: chr20-402921-C-G.
Other names: c.519+39C>G (NM_001323956.2, NM_001323958.2); c.903+39C>G (NM_006462.6).
Identifiers: ClinVar variation 1185509 (VCV001185509.8), dbSNP rs6051905, ClinGen allele CA9723260.

ClinVar aggregate classification (germline): Benign. Review status: criteria provided, multiple submitters, no conflicts (2 of 4 stars). 4 submissions from 4 submitters: Benign (4). Last evaluated 2023-11-12.

Conditions:
Polyglucosan body myopathy type 1 (PGBM1). Also called: Polyglucosan body myopathy 1 with or without immunodeficiency; POLYGLUCOSAN BODY MYOPATHY WITHOUT IMMUNODEFICIENCY. Identifiers: Orphanet 329173, Orphanet 397937, MedGen C4014605, MONDO:0014389, OMIM 615895.

Allele frequency attached by ClinVar (database versions not stated): TOPMed 0.31613; gnomAD 0.32396 and 0.32461; 1000 Genomes Project 30x 0.32433; 1000 Genomes Project 0.32708; gnomAD exomes 0.32891 and 0.35998; ExAC 0.33225; ESP Exome Variant Server 0.34007.

Submissions (4):

Unidad de Genómica Garrahan, Hospital de Pediatría Garrahan
Classification: Benign. Last evaluated: 2023-11-12. Review status: criteria provided, single submitter. Criteria: ACMG Guidelines, 2015. Collection method: clinical testing. Allele origin: germline. Affected: no. Observed: 39 variant alleles.
Comment: This variant is classified as Benign based on local population frequency. This variant was detected in 41% of patients studied by a panel of primary immunodeficiencies. Number of patients: 39. Only high quality variants are reported.

Genome-Nilou Lab
Classification: Benign for Polyglucosan body myopathy type 1. Last evaluated: 2021-07-14. Review status: criteria provided, single submitter. Criteria: ACMG Guidelines, 2015. Collection method: clinical testing. Allele origin: germline. Affected: no.

GeneDx
Classification: Benign. Last evaluated: 2021-05-14. Review status: criteria provided, single submitter. Criteria: GeneDx Variant Classification Process June 2021. Collection method: clinical testing. Allele origin: germline. Affected: yes.

Breakthrough Genomics
Classification: Benign. Review status: criteria provided, single submitter. Criteria: ACMG Guidelines, 2015. Collection method: not provided. Allele origin: germline. Inheritance: Autosomal recessive inheritance. Affected: yes.